The following is an entry in ClinVar:

NM_015981.4(CAMK2A):c.74C>T (p.Ser25Leu)

Gene: CAMK2A (calcium/calmodulin dependent protein kinase II alpha; minus strand). Cytogenetic location: 5q32.
Variant type: single nucleotide variant.
Coding change: c.74C>T on transcript NM_015981.4 (MANE Select); coding-DNA position 74, C replaced by T.
Protein change: p.Ser25Leu; replaces serine 25 with leucine.
Molecular consequence: missense variant.
Genome position (GRCh38, 1-based): chr5:150,273,148, G>A on the plus strand (C>T on the coding strand, the complement: CAMK2A is on the minus strand). VCF-style: chr5-150273148-G-A. GRCh37 (hg19) VCF-style: chr5-149652711-G-A.
Other names: c.74C>T, p.Ser25Leu (NM_001363989.1, NM_001363990.1, NM_001369025.2 and 1 more transcripts); short protein forms S25L.
Identifiers: ClinVar variation 3258078 (VCV003258078.7).
Genomic context (GRCh38, chr5:150,273,148, plus strand): 5'-TTGATGATCTTGGCAGCATACTCCTGGCCAGCCAGCACCTTCACACACCTTCGCACCACC[G>A]AGAAGGCTCCCCTAGGAGGACAGAGAAGGTGGAGAGGGTGAGGGAATGCCTGAGGGCTGT-3'
Protein context (NP_057065.2, residues 15-35): LFEELGKGAF[Ser25Leu]VVRRCVKVLA

ClinVar aggregate classification (germline): Conflicting classifications of pathogenicity. Review status: criteria provided, conflicting classifications (1 of 4 stars). 3 submissions from 3 submitters: Likely pathogenic (1); Uncertain significance (2). Last evaluated 2025-04-15.

Conditions:
Intellectual developmental disorder, autosomal dominant 53. Also called: MENTAL RETARDATION, AUTOSOMAL DOMINANT 53; Intellectual disability, autosomal dominant 53. Identifiers: MedGen C4540481, MONDO:0030919, OMIM 617798.
Inborn genetic diseases. Identifiers: MedGen C0950123, MeSH D030342.

Submissions (3):

Institute of Human Genetics Munich, TUM University Hospital
Classification: Likely pathogenic for Intellectual developmental disorder, autosomal dominant 53. Last evaluated: 2025-04-15. Review status: criteria provided, single submitter. Criteria: Classification criteria August 2017. Collection method: clinical testing. Allele origin: germline. Inheritance: Autosomal dominant inheritance. Affected: yes. Observed: 1 variant allele.

Ambry Genetics
Classification: Uncertain significance for Inborn genetic diseases. Last evaluated: 2024-07-01. Review status: criteria provided, single submitter. Criteria: Ambry Variant Classification Scheme 2023. Collection method: clinical testing. Allele origin: germline.
Comment: The c.74C>T (p.S25L) alteration is located in exon 2 (coding exon 2) of the CAMK2A gene. This alteration results from a C to T substitution at nucleotide position 74, causing the serine (S) at amino acid position 25 to be replaced by a leucine (L). This variant was flagged as a low confidence call in the Genome Aggregation Database (gnomAD). This amino acid position is highly conserved in available vertebrate species. This missense alteration is located in a region that has a low rate of benign missense variation (Lek, 2016; Firth, 2009). This alteration is predicted to be deleterious by in silico analysis. Based on insufficient or conflicting evidence, the clinical significance of this alteration remains unclear.

MVZ Martinsried, Medicover Genetics
Classification: Uncertain significance for Intellectual developmental disorder, autosomal dominant 53. Last evaluated: 2024-04-03. Review status: criteria provided, single submitter. Criteria: ACGS Guidelines, 2020. Collection method: clinical testing. Allele origin: unknown. Affected: yes.